The following is an entry in ClinVar:

NM_005159.5(ACTC1):c.455-3C>A

Genes: ACTC1 (actin alpha cardiac muscle 1; minus strand), GJD2-DT (GJD2 divergent transcript; plus strand). Cytogenetic location: 15q14.
Variant type: single nucleotide variant.
Coding change: c.455-3C>A on transcript NM_005159.5 (MANE Select); 3 bases into the intron before coding-DNA position 455, C replaced by A.
Molecular consequence: intron variant.
Genome position (GRCh38, 1-based): chr15:34,792,572, G>T on the plus strand (C>A on the coding strand, the complement: ACTC1 is on the minus strand). VCF-style: chr15-34792572-G-T. GRCh37 (hg19) VCF-style: chr15-35084773-G-T.
Other names: c.455-3C>A (NM_001406483.1, NM_001406482.1); c.14-3C>A (NM_001406485.1); c.320-3C>A (NM_001406484.1).
Identifiers: ClinVar variation 3224601 (VCV003224601.1), dbSNP rs779663711, ClinGen allele CA2825002258.

ClinVar aggregate classification (germline): Uncertain significance (1 of 4 stars; one submission).

Conditions:
Cardiovascular phenotype. Identifiers: MedGen CN230736.

Submission:

Ambry Genetics
Classification: Uncertain significance for Cardiovascular phenotype. Last evaluated: 2024-03-07. Review status: criteria provided, single submitter. Criteria: Ambry Variant Classification Scheme 2023. Collection method: clinical testing. Allele origin: germline.
Comment: The c.455-3C>A intronic variant results from a C to A substitution 3 nucleotides upstream from coding exon 3 in the ACTC1 gene. This nucleotide position is well conserved in available vertebrate species. In silico splice site analysis for this alteration is inconclusive. Based on the available evidence, the clinical significance of this alteration remains unclear.